The following is an entry in ClinVar:

NM_000261.2(MYOC):c.1451del (p.Lys484fs)

Gene: MYOC (myocilin; minus strand). Cytogenetic location: 1q24.3.
Variant type: Deletion.
Coding change: c.1451del on transcript NM_000261.2 (MANE Select); coding-DNA position 1451, one base deleted (A; older notation c.1451delA).
Protein change: p.Lys484fs; shifts the reading frame from lysine 484.
Molecular consequence: frameshift variant.
Genome position (GRCh38, 1-based): chr1:171,635,989, T deleted on the plus strand (A on the coding strand, the reverse complement: MYOC is on the minus strand); the first of 2 consecutive T bases (chr1:171,635,989-171,635,990); deleting either gives the same sequence. VCF-style (leftmost placement, unchanged base first): chr1-171635988-CT-C. GRCh37 (hg19) VCF-style: chr1-171605128-CT-C.
Other names: NM_000261.2:c.1451del; short protein forms K484fs.
Identifiers: ClinVar variation 4795850 (VCV004795850.1).

ClinVar aggregate classification (germline): Uncertain significance (3 of 4 stars; one submission).

Conditions:
Open-angle glaucoma. Identifiers: MedGen C0017612, MONDO:0005338, HP:0012108.

Submission:

ClinGen Glaucoma Variant Curation Expert Panel
Classification: Uncertain significance for Open-angle glaucoma. Last evaluated: 2026-02-18. Review status: reviewed by expert panel. Criteria: ClinGen Glaucoma ACMG Specifications V2.0.0 Approved. Collection method: curation. Allele origin: germline. Inheritance: Autosomal dominant inheritance.
Comment: The c.1451del variant in MYOC is a deletion of a single nucleotide, predicted to encode a frameshift with consequent premature termination of the protein at codon 9 of the frameshift (p.Lys484ArgfsTer9). This variant is predicted to cause a deletion of < 10% of the protein within the conserved olfactomedin domain, meeting PM4_Supporting. PVS1 did not apply, as the disease mechanism for MYOC variants associated with primary open angle glaucoma is not loss-of-function. The highest minor allele frequency of this variant was in the European (non-Finnish) genetic ancestry group of gnomAD (v4.1.0) = 0.0000008474 (1 allele out of 1,180,020), which met the ≤ 0.0001 threshold set for PM2_Supporting in a genetic ancestry group of at least 10,000 alleles. There was no computational evidence predicting a damaging or benign impact of this variant on MYOC function. Only 1 proband with primary open angle glaucoma had been reported (ARVO Abstract 2021), not meeting the ≥ 2 probands threshold required to meet PS4_Supporting. In summary, this variant met the criteria to receive a score of 2 and to be classified as a variant of uncertain significance (uncertain significance classification range -1 to 5, adapted from PMID: 32720330) for primary open angle glaucoma based on the ACMG/AMP criteria met, as specified by the ClinGen Glaucoma VCEP (v2.0.0, 5 Dec 2024): PM2_Supporting, PM4_Supporting.